The following is an entry in ClinVar:

NM_001009944.3(PKD1):c.12203G>A (p.Gly4068Glu)

Gene: PKD1 (polycystin 1, transient receptor potential channel interacting; minus strand). Cytogenetic location: 16p13.3.
Variant type: single nucleotide variant.
Coding change: c.12203G>A on transcript NM_001009944.3 (MANE Select); coding-DNA position 12203, G replaced by A.
Protein change: p.Gly4068Glu; replaces glycine 4068 with glutamic acid.
Molecular consequence: missense variant.
Genome position (GRCh38, 1-based): chr16:2,090,526, C>T on the plus strand (G>A on the coding strand, the complement: PKD1 is on the minus strand). VCF-style: chr16-2090526-C-T. GRCh37 (hg19) VCF-style: chr16-2140527-C-T.
Other names: c.12200G>A, p.Gly4067Glu (NM_000296.4); c.12200G>A (NM_000296.3); short protein forms G4067E, G4068E.
Identifiers: ClinVar variation 4540056 (VCV004540056.2).
Genomic context (GRCh38, chr16:2,090,526, plus strand): 5'-ACACACAGCAGGGGTGACAGGTGCCAGGACTCGGCAGGACACAGGGTAGAGAGCCCAGTC[C>T]CAGGGCACAGCACCAACAGGGCCTGGGCCACGCTCCAGAGGGAGTCCACACAGGAAGACA-3'
Protein context (NP_001009944.3, residues 4058-4078): VAQALLVLCP[Gly4068Glu]TGLSTLCPAE

ClinVar aggregate classification (germline): Uncertain significance. Review status: criteria provided, multiple submitters, no conflicts (2 of 4 stars). 2 submissions from 2 submitters: Uncertain significance (2). Last evaluated 2026-05-14.

Conditions:
Inborn genetic diseases. Identifiers: MedGen C0950123, MeSH D030342.

gnomAD v4.1: 1 of 1,610,646 alleles (0.000062%); highest among the groups gnomAD compares: Non-Finnish European, 0.000085%; no homozygotes.

Submissions (2):

Ambry Genetics
Classification: Uncertain significance for Inborn genetic diseases. Last evaluated: 2026-05-14. Review status: criteria provided, single submitter. Criteria: Ambry Variant Classification Scheme 2023. Collection method: clinical testing. Allele origin: germline.

GeneDx
Classification: Uncertain significance. Last evaluated: 2025-06-23. Review status: criteria provided, single submitter. Criteria: GeneDx Variant Classification Process June 2021. Collection method: clinical testing. Allele origin: germline. Affected: yes.
Comment: Not observed at significant frequency in large population cohorts (gnomAD); In silico analysis suggests that this missense variant does not alter protein structure/function; Has not been previously published as pathogenic or benign to our knowledge